The following is an entry in ClinVar:

ClinVar aggregate classification (germline): Uncertain significance. Review status: criteria provided, multiple submitters, no conflicts (2 of 4 stars). 3 submissions from 3 submitters: Uncertain significance (3). Last evaluated 2026-01-22.

Conditions:
RNF113A-related disorder. Also called: RNF113A-related condition.

Allele frequency attached by ClinVar (database versions not stated): gnomAD 0.00002; TOPMed 0.00001; gnomAD exomes 0.00005.
gnomAD v4.1: 58 of 1,210,716 alleles (0.0048%); highest among the groups gnomAD compares: Non-Finnish European, 0.0063%; no homozygotes.

Submissions (3):

Labcorp Genetics (formerly Invitae), Labcorp
Classification: Uncertain significance. Last evaluated: 2026-01-22. Review status: criteria provided, single submitter. Criteria: Invitae Variant Classification Sherloc (09022015). Collection method: clinical testing. Allele origin: germline.
Comment: This sequence change replaces lysine, which is basic and polar, with arginine, which is basic and polar, at codon 25 of the RNF113A protein (p.Lys25Arg). This variant is not present in population databases (gnomAD no frequency). This variant has not been reported in the literature in individuals affected with RNF113A-related conditions. ClinVar contains an entry for this variant (Variation ID: 1955551). Invitae Evidence Modeling of protein sequence and biophysical properties (such as structural, functional, and spatial information, amino acid conservation, physicochemical variation, residue mobility, and thermodynamic stability) indicates that this missense variant is not expected to disrupt RNF113A protein function with a negative predictive value of 80%. In summary, the available evidence is currently insufficient to determine the role of this variant in disease. Therefore, it has been classified as a Variant of Uncertain Significance.

Ambry Genetics
Classification: Uncertain significance. Last evaluated: 2023-03-06. Review status: criteria provided, single submitter. Criteria: Ambry Variant Classification Scheme 2023. Collection method: clinical testing. Allele origin: germline.

PreventionGenetics, part of Exact Sciences
Classification: Uncertain significance for RNF113A-related condition. Last evaluated: 2022-09-23. Review status: criteria provided, single submitter. Criteria: ACMG Guidelines, 2015. Collection method: clinical testing. Allele origin: germline.
Comment: The RNF113A c.74A>G variant is predicted to result in the amino acid substitution p.Lys25Arg. To our knowledge, this variant has not been reported in the literature. This variant is reported in 0.0012% of alleles in individuals of European (Non-Finnish) descent in gnomAD. At this time, the clinical significance of this variant is uncertain due to the absence of conclusive functional and genetic evidence.

NM_006978.3(RNF113A):c.74A>G (p.Lys25Arg)

Genes: RNF113A (ring finger protein 113A; minus strand), LOC130068621 (ATAC-STARR-seq lymphoblastoid active region 29902; plus strand). Cytogenetic location: Xq24.
Variant type: single nucleotide variant.
Coding change: c.74A>G on transcript NM_006978.3 (MANE Select); coding-DNA position 74, A replaced by G.
Protein change: p.Lys25Arg; replaces lysine 25 with arginine.
Molecular consequence: missense variant.
Genome position (GRCh38, 1-based): chrX:119,871,540, T>C on the plus strand (A>G on the coding strand, the complement: RNF113A is on the minus strand). VCF-style: chrX-119871540-T-C. GRCh37 (hg19) VCF-style: chrX-119005503-T-C.
Other names: c.74A>G (NM_006978.2); short protein forms K25R.
Identifiers: ClinVar variation 1955551 (VCV001955551.8), dbSNP rs1195722629, ClinGen allele CA414189510.